The following is an entry in ClinVar:

ClinVar aggregate classification (germline): Uncertain significance (1 of 4 stars; one submission).

Allele frequency attached by ClinVar (database versions not stated): gnomAD exomes below 0.00001 and 0.00002; gnomAD 0.00001; TOPMed 0.00001.
gnomAD v4.1: 27 of 1,611,450 alleles (0.0017%); highest among the groups gnomAD compares: Non-Finnish European, 0.0023%; no homozygotes.

Submission:

Labcorp Genetics (formerly Invitae), Labcorp
Classification: Uncertain significance. Last evaluated: 2024-05-22. Review status: criteria provided, single submitter. Criteria: Invitae Variant Classification Sherloc (09022015). Collection method: clinical testing. Allele origin: germline.
Comment: This sequence change replaces alanine, which is neutral and non-polar, with valine, which is neutral and non-polar, at codon 1224 of the SKIV2L protein (p.Ala1224Val). This variant is present in population databases (no rsID available, gnomAD 0.002%). This variant has not been reported in the literature in individuals affected with SKIV2L-related conditions. ClinVar contains an entry for this variant (Variation ID: 1353704). An algorithm developed to predict the effect of missense changes on protein structure and function (PolyPhen-2) suggests that this variant¬†is likely to be tolerated. In summary, the available evidence is currently insufficient to determine the role of this variant in disease. Therefore, it has been classified as a Variant of Uncertain Significance.

NM_006929.5(SKIC2):c.3671C>T (p.Ala1224Val)

Gene: SKIC2 (SKI2 subunit of superkiller complex; plus strand). Cytogenetic location: 6p21.33.
Variant type: single nucleotide variant.
Coding change: c.3671C>T on transcript NM_006929.5 (MANE Select); coding-DNA position 3671, C replaced by T.
Protein change: p.Ala1224Val; replaces alanine 1224 with valine.
Molecular consequence: missense variant.
Genome position (GRCh38, 1-based): chr6:31,969,645, C>T. VCF-style: chr6-31969645-C-T. GRCh37 (hg19) VCF-style: chr6-31937422-C-T.
Other names: short protein forms A1224V.
Identifiers: ClinVar variation 1353704 (VCV001353704.6), dbSNP rs1480522939, ClinGen allele CA363491985.